The following is an entry in ClinVar:

ClinVar aggregate classification (germline): Uncertain significance (1 of 4 stars; one submission).

Submission:

Labcorp Genetics (formerly Invitae), Labcorp
Classification: Uncertain significance. Last evaluated: 2024-07-21. Review status: criteria provided, single submitter. Criteria: Invitae Variant Classification Sherloc (09022015). Collection method: clinical testing. Allele origin: germline.
Comment: This sequence change replaces proline, which is neutral and non-polar, with histidine, which is basic and polar, at codon 395 of the MSH3 protein (p.Pro395His). This variant is not present in population databases (gnomAD no frequency). This variant has not been reported in the literature in individuals affected with MSH3-related conditions. An algorithm developed to predict the effect of missense changes on protein structure and function (PolyPhen-2) suggests that this variant is likely to be disruptive. In summary, the available evidence is currently insufficient to determine the role of this variant in disease. Therefore, it has been classified as a Variant of Uncertain Significance.

NM_002439.5(MSH3):c.1184C>A (p.Pro395His)

Gene: MSH3 (mutS homolog 3; plus strand). Cytogenetic location: 5q14.1.
Variant type: single nucleotide variant.
Coding change: c.1184C>A on transcript NM_002439.5 (MANE Select); coding-DNA position 1184, C replaced by A.
Protein change: p.Pro395His; replaces proline 395 with histidine.
Molecular consequence: missense variant.
Genome position (GRCh38, 1-based): chr5:80,678,937, C>A. VCF-style: chr5-80678937-C-A. GRCh37 (hg19) VCF-style: chr5-79974756-C-A.
Other names: short protein forms P395H.
Identifiers: ClinVar variation 3660054 (VCV003660054.2).
Genomic context (GRCh38, chr5:80,678,937, plus strand): 5'-ACTGGGGAAATACATTTTTTCTGTAACATTATATTTGTATTTGTTTTTAGGGAGTGCAGC[C>A]TGCCACAGGCGAGGTTGTGTTTGATAGTTTCCAGGACTCTGCTTCTCGTTCAGAGCTAGA-3'
Protein context (NP_002430.3, residues 385-405): NIFIGIVGVQ[Pro395His]ATGEVVFDSF